The following is an entry in ClinVar:

NM_021096.4(CACNA1I):c.1724A>T (p.Glu575Val)

Gene: CACNA1I (calcium voltage-gated channel subunit alpha1 I; plus strand). Cytogenetic location: 22q13.1.
Variant type: single nucleotide variant.
Coding change: c.1724A>T on transcript NM_021096.4 (MANE Select); coding-DNA position 1724, A replaced by T.
Protein change: p.Glu575Val; replaces glutamic acid 575 with valine.
Molecular consequence: missense variant.
Genome position (GRCh38, 1-based): chr22:39,649,657, A>T. VCF-style: chr22-39649657-A-T. GRCh37 (hg19) VCF-style: chr22-40045662-A-T.
Other names: c.1619A>T, p.Glu540Val (NM_001003406.2); short protein forms E540V, E575V.
Identifiers: ClinVar variation 2412948 (VCV002412948.3), dbSNP rs2518145421, ClinGen allele CA411645848.

ClinVar aggregate classification (germline): Uncertain significance (1 of 4 stars; one submission).

Submission:

GeneDx
Classification: Uncertain significance. Last evaluated: 2022-07-24. Review status: criteria provided, single submitter. Criteria: GeneDx Variant Classification Process June 2021. Collection method: clinical testing. Allele origin: germline. Affected: yes.
Comment: Not observed at significant frequency in large population cohorts (gnomAD); In silico analysis suggests this variant may impact gene splicing. In the absence of RNA/functional studies, the actual effect of this sequence change is unknown.; In silico analysis supports that this missense variant does not alter protein structure/function; Has not been previously published as pathogenic or benign to our knowledge